The following is an entry in ClinVar:

ClinVar aggregate classification (germline): Likely pathogenic (1 of 4 stars; one submission).

Conditions:
Sotos syndrome (SOTOS). Also called: CEREBRAL GIGANTISM; Sotos' syndrome; Distinctive facial appearance, overgrowth in childhood, and learning disabilities or delayed development; SOTOS SYNDROME 1; CHROMOSOME 5q35 DELETION SYNDROME. Identifiers: Orphanet 821, MedGen C0175695, MONDO:0019349, OMIM 117550.

Submission:

Molecular Genetics Department, Kulakov National Medical Research Center for Obstetrics, Gynecology and Perinatology
Classification: Likely pathogenic for Sotos syndrome. Review status: criteria provided, single submitter. Criteria: ACMG Guidelines, 2015. Collection method: clinical testing. Allele origin: germline. Affected: yes. Observed: 1 variant allele.
Comment: A previously undescribed heterozygous nucleotide variant creates an alteration of the canonical splice site c.6463+1G>C in the NSD1 gene. Heterozygous variants are reported in patients with Sotos syndrome, 117550. The variant is not present in population database (gnomAD no frequency). In summary, the currently available evidence indicates that the variant is pathogenic, but additional data are needed to prove that conclusively. Therefore, this variant has been classified as likely pathogenic.

NM_022455.5(NSD1):c.6463+1G>C

Gene: NSD1 (nuclear receptor binding SET domain protein 1; plus strand). Cytogenetic location: 5q35.3.
Variant type: single nucleotide variant.
Coding change: c.6463+1G>C on transcript NM_022455.5 (MANE Select); the canonical splice donor site of the intron after coding-DNA position 6463, G replaced by C.
Molecular consequence: splice donor variant.
Genome position (GRCh38, 1-based): chr5:177,292,159, G>C. VCF-style: chr5-177292159-G-C. GRCh37 (hg19) VCF-style: chr5-176719160-G-C.
Other names: c.6463+1G>C (NM_001409301.1, NM_001409302.1, NM_001409303.1); c.6043+1G>C (NM_001409304.1); c.5710+1G>C (NM_001409305.1); c.5701+1G>C (NM_001409306.1, NM_001409307.1); c.5590+1G>C (NM_001409308.1, NM_172349.5, NM_001365684.2); c.5341+1G>C (NM_001409309.1).
Identifiers: ClinVar variation 4294519 (VCV004294519.1).
Genomic context (GRCh38, chr5:177,292,159, plus strand): 5'-AACCAGGCTGCCCAAAAGTTTACCACGCAGACTGTCTCAATCTGACCAAGCGACCAGCAG[G>C]TTGGTGCCAAAATCCATTTGTACCGCTACTCGTTCTCTCCATCATACTCAGGGTCTCATG-3'